The following is an entry in ClinVar:

NM_207122.2(EXT2):c.1268C>T (p.Ala423Val)

Gene: EXT2 (exostosin glycosyltransferase 2; plus strand). Cytogenetic location: 11p11.2.
Variant type: single nucleotide variant.
Coding change: c.1268C>T on transcript NM_207122.2 (MANE Select); coding-DNA position 1268, C replaced by T.
Protein change: p.Ala423Val; replaces alanine 423 with valine.
Molecular consequence: missense variant.
Genome position (GRCh38, 1-based): chr11:44,171,705, C>T. VCF-style: chr11-44171705-C-T. GRCh37 (hg19) VCF-style: chr11-44193255-C-T.
Other names: c.1367C>T, p.Ala456Val (NM_000401.3); c.1298C>T, p.Ala433Val (NM_001178083.3); c.1268C>T, p.Ala423Val (NM_001389628.1, NM_001389630.1); short protein forms A423V, A433V, A456V.
Identifiers: ClinVar variation 3613221 (VCV003613221.2).

ClinVar aggregate classification (germline): Uncertain significance (1 of 4 stars; one submission).

Conditions:
Exostoses, multiple, type 2 (EXT2). Also called: Hereditary Multiple Osteochondromatosis, Type II; EXOSTOSES, MULTIPLE, TYPE II. Identifiers: Orphanet 321, MedGen C1851413, MONDO:0007586, OMIM 133701.

gnomAD v4.1: 3 of 1,614,064 alleles (0.00019%); highest among the groups gnomAD compares: South Asian, 0.0033%; no homozygotes.

Submission:

Labcorp Genetics (formerly Invitae), Labcorp
Classification: Uncertain significance for Exostoses, multiple, type 2. Last evaluated: 2024-11-10. Review status: criteria provided, single submitter. Criteria: Invitae Variant Classification Sherloc (09022015). Collection method: clinical testing. Allele origin: germline.
Comment: This sequence change replaces alanine, which is neutral and non-polar, with valine, which is neutral and non-polar, at codon 423 of the EXT2 protein (p.Ala423Val). This variant is present in population databases (rs558809327, gnomAD 0.003%). This variant has not been reported in the literature in individuals affected with EXT2-related conditions. Invitae Evidence Modeling of protein sequence and biophysical properties (such as structural, functional, and spatial information, amino acid conservation, physicochemical variation, residue mobility, and thermodynamic stability) indicates that this missense variant is not expected to disrupt EXT2 protein function with a negative predictive value of 95%. In summary, the available evidence is currently insufficient to determine the role of this variant in disease. Therefore, it has been classified as a Variant of Uncertain Significance.